The following is an entry in ClinVar:

ClinVar aggregate classification (germline): Uncertain significance (1 of 4 stars; one submission).

gnomAD v4.1: 3 of 1,613,584 alleles (0.00019%); highest among the groups gnomAD compares: African/African-American, 0.0013%; no homozygotes.

Submission:

Labcorp Genetics (formerly Invitae), Labcorp
Classification: Uncertain significance. Last evaluated: 2024-02-16. Review status: criteria provided, single submitter. Criteria: Invitae Variant Classification Sherloc (09022015). Collection method: clinical testing. Allele origin: germline.
Comment: This sequence change replaces tyrosine, which is neutral and polar, with asparagine, which is neutral and polar, at codon 2129 of the CACNA1E protein (p.Tyr2129Asn). This variant is present in population databases (no rsID available, gnomAD 0.002%). This variant has not been reported in the literature in individuals affected with CACNA1E-related conditions. Advanced modeling of protein sequence and biophysical properties (such as structural, functional, and spatial information, amino acid conservation, physicochemical variation, residue mobility, and thermodynamic stability) has been performed at Invitae for this missense variant, however the output from this modeling did not meet the statistical confidence thresholds required to predict the impact of this variant on CACNA1E protein function. In summary, the available evidence is currently insufficient to determine the role of this variant in disease. Therefore, it has been classified as a Variant of Uncertain Significance.

NM_001205293.3(CACNA1E):c.6514T>A (p.Tyr2172Asn)

Gene: CACNA1E (calcium voltage-gated channel subunit alpha1 E; plus strand). Cytogenetic location: 1q25.3.
Variant type: single nucleotide variant.
Coding change: c.6514T>A on transcript NM_001205293.3 (MANE Select); coding-DNA position 6514, T replaced by A.
Protein change: p.Tyr2172Asn; replaces tyrosine 2172 with asparagine.
Molecular consequence: missense variant.
Genome position (GRCh38, 1-based): chr1:181,798,406, T>A. VCF-style: chr1-181798406-T-A. GRCh37 (hg19) VCF-style: chr1-181767542-T-A.
Other names: c.6385T>A, p.Tyr2129Asn (NM_000721.4); c.6328T>A, p.Tyr2110Asn (NM_001205294.2); short protein forms Y2110N, Y2129N, Y2172N.
Identifiers: ClinVar variation 3628351 (VCV003628351.2).